The following is an entry in ClinVar:

ClinVar aggregate classification (germline): Uncertain significance (1 of 4 stars; one submission).

Conditions:
Hereditary cancer-predisposing syndrome. Also called: Neoplastic Syndromes, Hereditary; Tumor predisposition; Hereditary Cancer Syndrome; Hereditary neoplastic syndrome. Identifiers: Orphanet 140162, MedGen C0027672, MeSH D009386, MONDO:0015356.

Submission:

Ambry Genetics
Classification: Uncertain significance for Hereditary cancer-predisposing syndrome. Last evaluated: 2021-12-20. Review status: criteria provided, single submitter. Criteria: Ambry Variant Classification Scheme 2023. Collection method: clinical testing. Allele origin: germline.
Comment: The p.L1245R variant (also known as c.3734T>G), located in coding exon 24 of the RAD50 gene, results from a T to G substitution at nucleotide position 3734. The leucine at codon 1245 is replaced by arginine, an amino acid with dissimilar properties. This amino acid position is conserved. In addition, this alteration is predicted to be deleterious by in silico analysis. Since supporting evidence is limited at this time, the clinical significance of this alteration remains unclear.

NM_005732.4(RAD50):c.3734T>G (p.Leu1245Arg)

Genes: RAD50 (RAD50 double strand break repair protein; plus strand), TH2-LCR (Th2 cytokine locus control region; plus strand), TH2LCRR (T helper type 2 locus control region associated RNA; minus strand). Cytogenetic location: 5q31.1.
Variant type: single nucleotide variant.
Coding change: c.3734T>G on transcript NM_005732.4 (MANE Select); coding-DNA position 3734, T replaced by G.
Protein change: p.Leu1245Arg; replaces leucine 1245 with arginine.
Molecular consequence: missense variant.
Genome position (GRCh38, 1-based): chr5:132,640,787, T>G. VCF-style: chr5-132640787-T-G. GRCh37 (hg19) VCF-style: chr5-131976479-T-G.
Other names: short protein forms L1245R.
Identifiers: ClinVar variation 1734414 (VCV001734414.2), dbSNP rs2149865834, ClinGen allele CA360934920.